The following is an entry in ClinVar:

ClinVar aggregate classification (germline): Uncertain significance (1 of 4 stars; one submission).

Submission:

Labcorp Genetics (formerly Invitae), Labcorp
Classification: Uncertain significance. Last evaluated: 2021-11-03. Review status: criteria provided, single submitter. Criteria: Invitae Variant Classification Sherloc (09022015). Collection method: clinical testing. Allele origin: germline.
Comment: This sequence change replaces phenylalanine, which is neutral and non-polar, with isoleucine, which is neutral and non-polar, at codon 59 of the MYO15A protein (p.Phe59Ile). This variant is not present in population databases (gnomAD no frequency). This variant has not been reported in the literature in individuals affected with MYO15A-related conditions. Advanced modeling of protein sequence and biophysical properties (such as structural, functional, and spatial information, amino acid conservation, physicochemical variation, residue mobility, and thermodynamic stability) performed at Invitae indicates that this missense variant is not expected to disrupt MYO15A protein function. In summary, the available evidence is currently insufficient to determine the role of this variant in disease. Therefore, it has been classified as a Variant of Uncertain Significance.

NM_016239.4(MYO15A):c.175T>A (p.Phe59Ile)

Gene: MYO15A (myosin XVA; plus strand). Cytogenetic location: 17p11.2.
Variant type: single nucleotide variant.
Coding change: c.175T>A on transcript NM_016239.4 (MANE Select); coding-DNA position 175, T replaced by A.
Protein change: p.Phe59Ile; replaces phenylalanine 59 with isoleucine.
Molecular consequence: missense variant.
Genome position (GRCh38, 1-based): chr17:18,118,975, T>A. VCF-style: chr17-18118975-T-A. GRCh37 (hg19) VCF-style: chr17-18022289-T-A.
Other names: short protein forms F59I.
Identifiers: ClinVar variation 1482149 (VCV001482149.6), dbSNP rs933253559, ClinGen allele CA288413177.
Genomic context (GRCh38, chr17:18,118,975, plus strand): 5'-GGCTTCCGCGACCGTACACCCAAGATCTCCAAGAAGGGCCAGTTCCGCAGCGCCTCGGCC[T>A]TCTTCTGGGGCCTCCACACCGGCCCCCAGAAGACCAAGCGCAAGAGGAAGGCCCGCACCG-3'
Protein context (NP_057323.3, residues 49-69): KKGQFRSASA[Phe59Ile]FWGLHTGPQK